The following is an entry in ClinVar:

ClinVar aggregate classification (germline): Conflicting classifications of pathogenicity. Review status: criteria provided, conflicting classifications (1 of 4 stars). 8 submissions from 6 submitters: Uncertain significance (7); Likely benign (1). Last evaluated 2026-07-13.

Conditions:
Woolly hair-skin fragility syndrome (WHSF). Identifiers: Orphanet 293165, MedGen C1843292, MONDO:0957307, OMIM 620415.
Lethal acantholytic epidermolysis bullosa (EBLA). Identifiers: Orphanet 158687, MedGen C1864826, MONDO:0012323, OMIM 609638.
Cardiomyopathy (CMYO). Also called: Cardiomyopathies. Identifiers: Orphanet 167848, MedGen C0878544, MONDO:0004994, HP:0001638. Inheritance: Various modes of inheritance.
Arrhythmogenic cardiomyopathy with wooly hair and keratoderma. Also called: Arrhythmogenic cardiomyopathy with woolly hair and keratoderma; PALMOPLANTAR KERATODERMA WITH LEFT VENTRICULAR CARDIOMYOPATHY AND WOOLLY HAIR; Carvajal syndrome; Dilated cardiomyopathy with woolly hair and keratoderma. Identifiers: Orphanet 65282, MedGen C1854063, MONDO:0011581, OMIM 605676.
Arrhythmogenic right ventricular dysplasia 8 (ARVD8). Also called: ARRHYTHMOGENIC RIGHT VENTRICULAR DYSPLASIA, FAMILIAL, 8; ARRHYTHMOGENIC RIGHT VENTRICULAR CARDIOMYOPATHY 8; Arrhythmogenic Right Ventricular Dysplasia/Cardiomyopathy 8. Identifiers: MedGen C1843896, MONDO:0011831, OMIM 607450.
Cardiovascular phenotype. Identifiers: MedGen CN230736.

Allele frequency attached by ClinVar (database versions not stated): gnomAD exomes below 0.00001 and 0.00001; TOPMed below 0.00001; gnomAD 0.00001.
gnomAD v4.1: 7 of 1,614,020 alleles (0.00043%); highest among the groups gnomAD compares: African/African-American, 0.0013%; no homozygotes.

Submissions (8):

Ambry Genetics
Classification: Uncertain significance for Cardiovascular phenotype. Last evaluated: 2026-07-13. Review status: criteria provided, single submitter. Criteria: Ambry Variant Classification Scheme 2023. Collection method: clinical testing. Allele origin: germline.
Comment: The p.L691F variant (also known as c.2071C>T), located in coding exon 15 of the DSP gene, results from a C to T substitution at nucleotide position 2071. The leucine at codon 691 is replaced by phenylalanine, an amino acid with highly similar properties. This amino acid position is conserved. In addition, this alteration is predicted to be tolerated by in silico analysis. Based on the available evidence, the clinical significance of this variant remains unclear.

Color Diagnostics, LLC DBA Color Health
Classification: Uncertain significance for Cardiomyopathy. Last evaluated: 2024-03-07. Review status: criteria provided, single submitter. Criteria: ACMG Guidelines, 2015. Collection method: clinical testing. Allele origin: germline.
Comment: This missense variant replaces leucine with phenylalanine at codon 691 of the DSP protein. Computational prediction suggests that this variant may not impact protein structure and function (internally defined REVEL score threshold <= 0.5, PMID: 27666373). To our knowledge, functional studies have not been reported for this variant. This variant has not been reported in individuals affected with cardiovascular disorders in the literature. This variant has been identified in 2/251132 chromosomes in the general population by the Genome Aggregation Database (gnomAD). The available evidence is insufficient to determine the role of this variant in disease conclusively. Therefore, this variant is classified as a Variant of Uncertain Significance.

Labcorp Genetics (formerly Invitae), Labcorp
Classification: Likely benign for Arrhythmogenic cardiomyopathy with wooly hair and keratoderma; Arrhythmogenic right ventricular dysplasia 8. Last evaluated: 2024-03-07. Review status: criteria provided, single submitter. Criteria: Invitae Variant Classification Sherloc (09022015). Collection method: clinical testing. Allele origin: germline.

All of Us Research Program, National Institutes of Health
Classification: Uncertain significance for Arrhythmogenic cardiomyopathy with wooly hair and keratoderma. Last evaluated: 2024-01-11. Review status: criteria provided, single submitter. Criteria: ACMG Guidelines, 2015. Collection method: clinical testing. Allele origin: germline. Inheritance: Autosomal dominant inheritance. Observed: 4 variant alleles, 4 heterozygotes.
Comment: This missense variant replaces leucine with phenylalanine at codon 691 of the DSP protein. Computational prediction suggests that this variant may not impact protein structure and function (internally defined REVEL score threshold <= 0.5, PMID: 27666373). To our knowledge, functional studies have not been reported for this variant. This variant has not been reported in individuals affected with cardiovascular disorders in the literature. This variant has been identified in 2/251132 chromosomes in the general population by the Genome Aggregation Database (gnomAD). The available evidence is insufficient to determine the role of this variant in disease conclusively. Therefore, this variant is classified as a Variant of Uncertain Significance.

This study involves interpretation of variants in research participants for the purpose of population health screening. Participant phenotype was not available at the time of variant classification. Additional details can be found in publication PMID: 35346344, PMCID: PMC8962531

Illumina Laboratory Services, Illumina
Classification: Uncertain significance for Arrhythmogenic cardiomyopathy with wooly hair and keratoderma. Last evaluated: 2018-01-13. Review status: criteria provided, single submitter. Criteria: ICSL Variant Classification Criteria 13 December 2019. Collection method: clinical testing. Allele origin: germline.

Illumina Laboratory Services, Illumina
Classification: Uncertain significance for Lethal acantholytic epidermolysis bullosa. Last evaluated: 2018-01-13. Review status: criteria provided, single submitter. Criteria: ICSL Variant Classification Criteria 13 December 2019. Collection method: clinical testing. Allele origin: germline.

Illumina Laboratory Services, Illumina
Classification: Uncertain significance for Arrhythmogenic right ventricular dysplasia 8. Last evaluated: 2018-01-13. Review status: criteria provided, single submitter. Criteria: ICSL Variant Classification Criteria 13 December 2019. Collection method: clinical testing. Allele origin: germline.

Stanford Center for Inherited Cardiovascular Disease, Stanford University
Classification: Uncertain significance. Last evaluated: 2017-10-25. Review status: criteria provided, single submitter. Criteria: ACMG Guidelines, 2015. Collection method: provider interpretation. Allele origin: germline.

NM_004415.4(DSP):c.2071C>T (p.Leu691Phe)

Gene: DSP (desmoplakin; plus strand). Cytogenetic location: 6p24.3.
Variant type: single nucleotide variant.
Coding change: c.2071C>T on transcript NM_004415.4 (MANE Select); coding-DNA position 2071, C replaced by T.
Protein change: p.Leu691Phe; replaces leucine 691 with phenylalanine.
Molecular consequence: missense variant.
Genome position (GRCh38, 1-based): chr6:7,572,009, C>T. VCF-style: chr6-7572009-C-T. GRCh37 (hg19) VCF-style: chr6-7572242-C-T.
Other names: c.2071C>T, p.Leu691Phe (NM_001008844.3, NM_001319034.2); c.2071C>T (LRG_423t1); short protein forms L691F.
Identifiers: ClinVar variation 534311 (VCV000534311.19), dbSNP rs1363445022, ClinGen allele CA362680493.